The following is an entry in ClinVar:

NC_000017.10:g.(?_40688281)_(40693234_?)del

Gene: NAGLU (N-acetyl-alpha-glucosaminidase; plus strand). Cytogenetic location: 17q21.2.
Variant type: Deletion.
Identifiers: ClinVar variation 1459502 (VCV001459502.4).

ClinVar aggregate classification (germline): Pathogenic (1 of 4 stars; one submission).

Conditions:
Mucopolysaccharidosis, MPS-III-B (MPS3B). Also called: N-ACETYL-ALPHA-D-GLUCOSAMINIDASE DEFICIENCY; NAGLU DEFICIENCY; SANFILIPPO SYNDROME B; MPS III B; MPS IIIB (Sanfilippo Syndrome Type B); MUCOPOLYSACCHARIDOSIS, TYPE IIIB. Identifiers: Orphanet 79270, MedGen C0086648, MONDO:0009656, OMIM 252920.
Charcot-Marie-Tooth disease axonal type 2V. Also called: CHARCOT-MARIE-TOOTH NEUROPATHY, TYPE 2V; CHARCOT-MARIE-TOOTH DISEASE, AXONAL, AUTOSOMAL DOMINANT, TYPE 2V. Identifiers: Orphanet 447964, MedGen C5569050, MONDO:0014665, OMIM 616491.

Submission:

Labcorp Genetics (formerly Invitae), Labcorp
Classification: Pathogenic for Charcot-Marie-Tooth disease axonal type 2V; Mucopolysaccharidosis, MPS-III-B. Last evaluated: 2022-04-08. Review status: criteria provided, single submitter. Criteria: Invitae Variant Classification Sherloc (09022015). Collection method: clinical testing. Allele origin: germline.
Comment: This variant is a gross deletion of the genomic region encompassing exon(s) 1-5 of the NAGLU gene, which includes the initiator codon. This deletion extends beyond the assayed region for this gene and therefore may encompass additional genes. It is expected to result in an absent or disrupted protein product. Loss-of-function variants in NAGLU are known to be pathogenic (PMID: 9832037, 10094189, 16151907). This variant has not been reported in the literature in individuals affected with NAGLU-related conditions. For these reasons, this variant has been classified as Pathogenic.

Literature cited by the submitters: PubMed 9832037; PubMed 10094189; PubMed 16151907.